The following is an entry in ClinVar:

ClinVar aggregate classification (germline): Uncertain significance (1 of 4 stars; one submission).

Allele frequency attached by ClinVar (database versions not stated): TOPMed below 0.00001; ExAC 0.00001; gnomAD 0.00001.
gnomAD v4.1: 9 of 1,613,998 alleles (0.00056%); highest among the groups gnomAD compares: Middle Eastern, 0.016%; no homozygotes.

Submission:

Labcorp Genetics (formerly Invitae), Labcorp
Classification: Uncertain significance. Last evaluated: 2023-08-04. Review status: criteria provided, single submitter. Criteria: Invitae Variant Classification Sherloc (09022015). Collection method: clinical testing. Allele origin: germline.
Comment: In summary, the available evidence is currently insufficient to determine the role of this variant in disease. Therefore, it has been classified as a Variant of Uncertain Significance. Advanced modeling of protein sequence and biophysical properties (such as structural, functional, and spatial information, amino acid conservation, physicochemical variation, residue mobility, and thermodynamic stability) performed at Invitae indicates that this missense variant is not expected to disrupt EARS2 protein function. ClinVar contains an entry for this variant (Variation ID: 1973585). This variant has not been reported in the literature in individuals affected with EARS2-related conditions. This variant is present in population databases (rs113593303, gnomAD 0.006%). This sequence change replaces valine, which is neutral and non-polar, with isoleucine, which is neutral and non-polar, at codon 339 of the EARS2 protein (p.Val339Ile).

NM_001083614.2(EARS2):c.1015G>A (p.Val339Ile)

Gene: EARS2 (glutamyl-tRNA synthetase 2, mitochondrial; minus strand). Cytogenetic location: 16p12.2.
Variant type: single nucleotide variant.
Coding change: c.1015G>A on transcript NM_001083614.2 (MANE Select); coding-DNA position 1015, G replaced by A.
Protein change: p.Val339Ile; replaces valine 339 with isoleucine.
Molecular consequence: missense variant. On other transcripts: non-coding transcript variant (1).
Genome position (GRCh38, 1-based): chr16:23,532,709, C>T on the plus strand (G>A on the coding strand, the complement: EARS2 is on the minus strand). VCF-style: chr16-23532709-C-T. GRCh37 (hg19) VCF-style: chr16-23544030-C-T.
Other names: c.1015G>A, p.Val339Ile (NM_001308211.1, NM_133451.1); short protein forms V339I.
Identifiers: ClinVar variation 1973585 (VCV001973585.5), dbSNP rs113593303, ClinGen allele CA7962435.